The following is an entry in ClinVar:

NM_000349.3(STAR):c.563G>A (p.Arg188His)

Gene: STAR (steroidogenic acute regulatory protein; minus strand). Cytogenetic location: 8p11.23.
Variant type: single nucleotide variant.
Coding change: c.563G>A on transcript NM_000349.3 (MANE Select); coding-DNA position 563, G replaced by A.
Protein change: p.Arg188His; replaces arginine 188 with histidine.
Molecular consequence: missense variant.
Genome position (GRCh38, 1-based): chr8:38,146,050, C>T on the plus strand (G>A on the coding strand, the complement: STAR is on the minus strand). VCF-style: chr8-38146050-C-T. GRCh37 (hg19) VCF-style: chr8-38003568-C-T.
Other names: short protein forms R188H.
Identifiers: ClinVar variation 553117 (VCV000553117.4), dbSNP rs61736315, ClinGen allele CA4715215.

ClinVar aggregate classification (germline): Conflicting classifications of pathogenicity. Review status: criteria provided, conflicting classifications (1 of 4 stars). 3 submissions from 3 submitters: Likely pathogenic (1); Uncertain significance (1). 1 of the submissions does not count toward it. Last evaluated 2026-01-07.

Conditions:
Congenital lipoid adrenal hyperplasia due to STAR deficency. Also called: Lipoid adrenal hyperplasia; Congenital Lipoid Adrenal Hyperplasia; ADRENAL HYPERPLASIA I; Cholesterol monooxygenase (side-chain cleaving) deficiency. Identifiers: Orphanet 418, Orphanet 90790, MedGen C0342474, MONDO:0008725, OMIM 201710.

Allele frequency attached by ClinVar (database versions not stated): ExAC 0.00001; gnomAD exomes 0.00002 and 0.00006; TOPMed 0.00002; gnomAD 0.00005.

Submissions (3):

Natera, Inc.
Classification: Likely pathogenic for Congenital lipoid adrenal hyperplasia. Last evaluated: 2026-01-07. Review status: criteria provided, single submitter. Criteria: Natera Variant Classification Schema (03/2026). Collection method: clinical testing. Allele origin: germline.
Comment: The c.563G>A variant in STAR is a missense variant predicted to cause substitution of arginine to histidine at amino acid 188. This variant is rare in the general population with a frequency below the threshold expected for the associated phenotype(s). This variant has been observed in one or more individuals affected with the associated recessive disease, as either homozygous or compound heterozygous with a second variant (PMID: 30476142). A different variant at the same position has been determined to be Pathogenic or Likely Pathogenic. Computational prediction algorithms indicate this variant is likely to affect gene or protein function. Given the available evidence, this variant is classified as Likely Pathogenic.

Fulgent Genetics
Classification: Uncertain significance for Congenital lipoid adrenal hyperplasia due to STAR deficency. Last evaluated: 2022-05-17. Review status: criteria provided, single submitter. Criteria: ACMG Guidelines, 2015. Collection method: clinical testing. Allele origin: unknown.

Counsyl
Classification: Uncertain significance for Congenital lipoid adrenal hyperplasia due to STAR deficency. Last evaluated: 2017-07-27. Review status: no assertion criteria provided. Collection method: clinical testing. Allele origin: unknown. Not counted in ClinVar's aggregate classification.

Literature cited by the submitters: PubMed 30476142 (cited by Natera, Inc.).